The following is an entry in ClinVar:

NM_018076.5(ODAD2):c.2095C>G (p.Gln699Glu)

Gene: ODAD2 (outer dynein arm docking complex subunit 2; minus strand). Cytogenetic location: 10p12.1.
Variant type: single nucleotide variant.
Coding change: c.2095C>G on transcript NM_018076.5 (MANE Select); coding-DNA position 2095, C replaced by G.
Protein change: p.Gln699Glu; replaces glutamine 699 with glutamic acid.
Molecular consequence: missense variant.
Genome position (GRCh38, 1-based): chr10:27,939,899, G>C on the plus strand (C>G on the coding strand, the complement: ODAD2 is on the minus strand). VCF-style: chr10-27939899-G-C. GRCh37 (hg19) VCF-style: chr10-28228828-G-C.
Other names: c.2095C>G, p.Gln699Glu (NM_001290020.2); c.670C>G, p.Gln224Glu (NM_001290021.2); c.1171C>G, p.Gln391Glu (NM_001312689.2); short protein forms Q391E, Q224E, Q699E.
Identifiers: ClinVar variation 1043035 (VCV001043035.8), dbSNP rs1232109914, ClinGen allele CA376392067.

ClinVar aggregate classification (germline): Uncertain significance (1 of 4 stars; one submission).

Conditions:
Primary ciliary dyskinesia 23 (CILD23). Also called: CILIARY DYSKINESIA, PRIMARY, 23, WITH OR WITHOUT SITUS INVERSUS. Identifiers: Orphanet 244, MedGen C3809548, MONDO:0014193, OMIM 615451.

Submission:

Labcorp Genetics (formerly Invitae), Labcorp
Classification: Uncertain significance for Primary ciliary dyskinesia 23. Last evaluated: 2020-02-21. Review status: criteria provided, single submitter. Criteria: Invitae Variant Classification Sherloc (09022015). Collection method: clinical testing. Allele origin: germline.
Comment: This variant is not present in population databases (ExAC no frequency). This variant has not been reported in the literature in individuals with ARMC4-related conditions. Algorithms developed to predict the effect of missense changes on protein structure and function are either unavailable or do not agree on the potential impact of this missense change (SIFT: "Deleterious"; PolyPhen-2: "Benign"; Align-GVGD: "Class C0"). In summary, the available evidence is currently insufficient to determine the role of this variant in disease. Therefore, it has been classified as a Variant of Uncertain Significance. This sequence change replaces glutamine with glutamic acid at codon 699 of the ARMC4 protein (p.Gln699Glu). The glutamine residue is weakly conserved and there is a small physicochemical difference between glutamine and glutamic acid.